The following is an entry in ClinVar:

ClinVar aggregate classification (germline): Uncertain significance (1 of 4 stars; one submission).

Conditions:
Hereditary spastic paraplegia 8 (SPG8). Also called: SPASTIC PARAPLEGIA 8, AUTOSOMAL DOMINANT. Identifiers: Orphanet 100989, MedGen C1863704, MONDO:0011339, OMIM 603563.
Ritscher-Schinzel syndrome. Also called: CRANIOCEREBELLOCARDIAC DYSPLASIA. Identifiers: Orphanet 7, MedGen C0796137, MONDO:0019078.

Submission:

Labcorp Genetics (formerly Invitae), Labcorp
Classification: Uncertain significance for Ritscher-Schinzel syndrome; Hereditary spastic paraplegia 8. Last evaluated: 2025-10-02. Review status: criteria provided, single submitter. Criteria: Invitae Variant Classification Sherloc (09022015). Collection method: clinical testing. Allele origin: germline.
Comment: This sequence change replaces arginine, which is basic and polar, with lysine, which is basic and polar, at codon 230 of the WASHC5 protein (p.Arg230Lys). This variant is not present in population databases (gnomAD no frequency). This variant has not been reported in the literature in individuals affected with WASHC5-related conditions. ClinVar contains an entry for this variant (Variation ID: 952723). Invitae Evidence Modeling of protein sequence and biophysical properties (such as structural, functional, and spatial information, amino acid conservation, physicochemical variation, residue mobility, and thermodynamic stability) indicates that this missense variant is not expected to disrupt WASHC5 protein function with a negative predictive value of 80%. In summary, the available evidence is currently insufficient to determine the role of this variant in disease. Therefore, it has been classified as a Variant of Uncertain Significance.

NM_014846.4(WASHC5):c.689G>A (p.Arg230Lys)

Gene: WASHC5 (WASH complex subunit 5; minus strand). Cytogenetic location: 8q24.13.
Variant type: single nucleotide variant.
Coding change: c.689G>A on transcript NM_014846.4 (MANE Select); coding-DNA position 689, G replaced by A.
Protein change: p.Arg230Lys; replaces arginine 230 with lysine.
Molecular consequence: missense variant.
Genome position (GRCh38, 1-based): chr8:125,078,760, C>T on the plus strand (G>A on the coding strand, the complement: WASHC5 is on the minus strand). VCF-style: chr8-125078760-C-T. GRCh37 (hg19) VCF-style: chr8-126091002-C-T.
Other names: c.245G>A, p.Arg82Lys (NM_001330609.2); short protein forms R82K, R230K.
Identifiers: ClinVar variation 952723 (VCV000952723.9), dbSNP rs1817137048, ClinGen allele CA372196200.